The following is an entry in ClinVar:

ClinVar aggregate classification (germline): Uncertain significance (1 of 4 stars; one submission).

Conditions:
Hereditary cancer-predisposing syndrome. Also called: Hereditary Cancer Syndrome; Hereditary neoplastic syndrome; Neoplastic Syndromes, Hereditary; Tumor predisposition. Identifiers: Orphanet 140162, MedGen C0027672, MeSH D009386, MONDO:0015356.

Submission:

Ambry Genetics
Classification: Uncertain significance for Hereditary cancer-predisposing syndrome. Last evaluated: 2021-01-28. Review status: criteria provided, single submitter. Criteria: Ambry Variant Classification Scheme 2023. Collection method: clinical testing. Allele origin: germline.
Comment: The p.L438I variant (also known as c.1312C>A), located in coding exon 2 of the MET gene, results from a C to A substitution at nucleotide position 1312. The leucine at codon 438 is replaced by isoleucine, an amino acid with highly similar properties. This amino acid position is highly conserved in available vertebrate species. In addition, this alteration is predicted to be tolerated by in silico analysis. Since supporting evidence is limited at this time, the clinical significance of this alteration remains unclear.

NM_000245.4(MET):c.1312C>A (p.Leu438Ile)

Gene: MET (MET proto-oncogene, receptor tyrosine kinase; plus strand). Cytogenetic location: 7q31.2.
Variant type: single nucleotide variant.
Coding change: c.1312C>A on transcript NM_000245.4 (MANE Select); coding-DNA position 1312, C replaced by A.
Protein change: p.Leu438Ile; replaces leucine 438 with isoleucine.
Molecular consequence: missense variant.
Genome position (GRCh38, 1-based): chr7:116,731,779, C>A. VCF-style: chr7-116731779-C-A. GRCh37 (hg19) VCF-style: chr7-116371833-C-A.
Other names: c.1312C>A, p.Leu438Ile (NM_001127500.3, NM_001324401.3); c.22C>A, p.Leu8Ile (NM_001324402.2); short protein forms L438I, L8I.
Identifiers: ClinVar variation 1769697 (VCV001769697.2), dbSNP rs587780733, ClinGen allele CA368972906.